The following is an entry in ClinVar:

NM_206933.4(USH2A):c.486-13G>A

Gene: USH2A (usherin; minus strand). Cytogenetic location: 1q41.
Variant type: single nucleotide variant.
Coding change: c.486-13G>A on transcript NM_206933.4 (MANE Select); 13 bases into the intron before coding-DNA position 486, G replaced by A.
Molecular consequence: intron variant.
Genome position (GRCh38, 1-based): chr1:216,418,692, C>T on the plus strand (G>A on the coding strand, the complement: USH2A is on the minus strand). VCF-style: chr1-216418692-C-T. GRCh37 (hg19) VCF-style: chr1-216592034-C-T.
Other names: c.486-13G>A (NM_007123.6).
Identifiers: ClinVar variation 166531 (VCV000166531.19), dbSNP rs116367260, ClinGen allele CA179592.

ClinVar aggregate classification (germline): Conflicting classifications of pathogenicity. Review status: criteria provided, conflicting classifications (1 of 4 stars). 6 submissions from 5 submitters: Uncertain significance (1); Benign (4); Likely benign (1). Last evaluated 2026-02-04.

Conditions:
Retinitis pigmentosa (RP). Identifiers: Orphanet 791, MedGen C0035334, MeSH D012174, MONDO:0019200, OMIM 268000. Inheritance: Autosomal dominant, autosomal recessive and X linked inheritance.
Usher syndrome type 2A. Also called: USHER SYNDROME, TYPE IIA; RETINAL DISEASE IN USHER SYNDROME TYPE IIA, MODIFIER OF. Identifiers: Orphanet 231178, Orphanet 886, MedGen C1848634, MONDO:0010169, OMIM 276901.

Allele frequency attached by ClinVar (database versions not stated): ExAC 0.00113; ESP Exome Variant Server 0.00331; TOPMed 0.00356; gnomAD 0.00370 and 0.00385; 1000 Genomes Project 0.00459; 1000 Genomes Project 30x 0.00547.
gnomAD v4.1: 1,059 of 1,612,572 alleles (0.066%); highest among the groups gnomAD compares: African/African-American, 1.3%; 8 homozygotes.

Submissions (6):

Labcorp Genetics (formerly Invitae), Labcorp
Classification: Benign. Last evaluated: 2026-02-04. Review status: criteria provided, single submitter. Criteria: Invitae Variant Classification Sherloc (09022015). Collection method: clinical testing. Allele origin: germline.

Blueprint Genetics
Classification: Likely benign. Last evaluated: 2024-10-07. Review status: criteria provided, single submitter. Criteria: ACMG Guidelines, 2015. Collection method: clinical testing. Allele origin: germline.

Illumina Laboratory Services, Illumina
Classification: Benign for Usher syndrome type 2A. Last evaluated: 2017-04-27. Review status: criteria provided, single submitter. Criteria: ICSL Variant Classification Criteria 13 December 2019. Collection method: clinical testing. Allele origin: germline.
Comment: This variant was observed as part of a predisposition screen in an ostensibly healthy population. A literature search was performed for the gene, cDNA change, and amino acid change (where applicable). No publications were found based on this search. Allele frequency data from public databases was too high to be consistent with this variant causing disease. Therefore, this variant is classified as benign.

Illumina Laboratory Services, Illumina
Classification: Uncertain significance for Retinitis pigmentosa. Last evaluated: 2017-04-27. Review status: criteria provided, single submitter. Criteria: ICSL Variant Classification Criteria 13 December 2019. Collection method: clinical testing. Allele origin: germline.

GeneDx
Classification: Benign. Last evaluated: 2015-03-03. Review status: criteria provided, single submitter. Criteria: GeneDx Variant Classification Process June 2021. Collection method: clinical testing. Allele origin: germline. Affected: yes.

Laboratory for Molecular Medicine, Mass General Brigham Personalized Medicine
Classification: Benign. Last evaluated: 2012-05-07. Review status: criteria provided, single submitter. Criteria: LMM Criteria. Collection method: clinical testing. Allele origin: germline. Observed: 3 variant alleles.
Comment: 486-13G>A in Intron 02 of USH2A: This variant is not expected to have clinical s ignificance because it has been identified in 0.8% (31/3738) of African American chromosomes from a broad population by the NHLBI Exome Sequencing Project (dbSNP rs116367260).